The following is an entry in ClinVar:

ClinVar aggregate classification (germline): Conflicting classifications of pathogenicity. Review status: criteria provided, conflicting classifications (1 of 4 stars). 10 submissions from 10 submitters: Uncertain significance (7); Likely benign (2). 1 of the submissions does not count toward it. Last evaluated 2025-10-10.

Conditions:
Hereditary cancer-predisposing syndrome. Also called: Tumor predisposition; Hereditary Cancer Syndrome; Hereditary neoplastic syndrome; Neoplastic Syndromes, Hereditary. Identifiers: Orphanet 140162, MedGen C0027672, MeSH D009386, MONDO:0015356.
Familial adenomatous polyposis 1 (FAP1). Also called: FAMILIAL ADENOMATOUS POLYPOSIS 1, ATTENUATED; POLYPOSIS, ADENOMATOUS INTESTINAL. Identifiers: MedGen C2713442, MONDO:0021056, OMIM 175100. Disease mechanism: loss of function.

Allele frequency attached by ClinVar (database versions not stated): ExAC 0.00001; gnomAD 0.00001; gnomAD exomes 0.00001 and 0.00002; TOPMed 0.00002.
gnomAD v4.1: 11 of 1,614,046 alleles (0.00068%); highest among the groups gnomAD compares: Non-Finnish European, 0.00093%; no homozygotes.

Submissions (10):

Women's Health and Genetics/Laboratory Corporation of America, LabCorp
Classification: Uncertain significance. Last evaluated: 2025-10-10. Review status: criteria provided, single submitter. Criteria: LabCorp Variant Classification Summary - May 2015. Collection method: clinical testing. Allele origin: germline.

Center for Genomic Medicine, Rigshospitalet, Copenhagen University Hospital
Classification: Likely benign. Last evaluated: 2025-03-04. Review status: criteria provided, single submitter. Criteria: ACMG Guidelines, 2015. Collection method: clinical testing. Allele origin: germline.

Labcorp Genetics (formerly Invitae), Labcorp
Classification: Uncertain significance for Familial adenomatous polyposis 1. Last evaluated: 2025-02-05. Review status: criteria provided, single submitter. Criteria: Invitae Variant Classification Sherloc (09022015). Collection method: clinical testing. Allele origin: germline.
Comment: This sequence change replaces valine, which is neutral and non-polar, with glutamic acid, which is acidic and polar, at codon 1320 of the APC protein (p.Val1320Glu). This variant is present in population databases (rs760485028, gnomAD 0.003%). This variant has not been reported in the literature in individuals affected with APC-related conditions. ClinVar contains an entry for this variant (Variation ID: 411559). Invitae Evidence Modeling of protein sequence and biophysical properties (such as structural, functional, and spatial information, amino acid conservation, physicochemical variation, residue mobility, and thermodynamic stability) indicates that this missense variant is not expected to disrupt APC protein function with a negative predictive value of 95%. In summary, the available evidence is currently insufficient to determine the role of this variant in disease. Therefore, it has been classified as a Variant of Uncertain Significance.

Color Diagnostics, LLC DBA Color Health
Classification: Uncertain significance for Hereditary cancer-predisposing syndrome. Last evaluated: 2024-03-06. Review status: criteria provided, single submitter. Criteria: ACMG Guidelines, 2015. Collection method: clinical testing. Allele origin: germline.
Comment: This missense variant replaces valine with glutamic acid at codon 1320 of the APC protein. Computational prediction suggests that this variant may not impact protein structure and function (internally defined REVEL score threshold <= 0.5, PMID: 27666373). To our knowledge, functional studies have not been reported for this variant. This variant has not been reported in individuals affected with APC-related disorders in the literature. This variant has been identified in 4/251172 chromosomes in the general population by the Genome Aggregation Database (gnomAD). The available evidence is insufficient to determine the role of this variant in disease conclusively. Therefore, this variant is classified as a Variant of Uncertain Significance.

Baylor Genetics
Classification: Uncertain significance for Familial adenomatous polyposis 1. Last evaluated: 2024-02-19. Review status: criteria provided, single submitter. Criteria: ACMG Guidelines, 2015. Collection method: clinical testing. Allele origin: unknown.

GeneDx
Classification: Uncertain significance. Last evaluated: 2023-07-31. Review status: criteria provided, single submitter. Criteria: GeneDx Variant Classification Process June 2021. Collection method: clinical testing. Allele origin: germline. Affected: yes.
Comment: Not observed at significant frequency in large population cohorts (gnomAD); In silico analysis supports that this missense variant does not alter protein structure/function; Has not been previously published as pathogenic or benign to our knowledge; This variant is associated with the following publications: (PMID: 18199528)

Myriad Genetics, Inc.
Classification: Uncertain significance for Familial adenomatous polyposis 1. Last evaluated: 2023-02-14. Review status: criteria provided, single submitter. Criteria: Myriad Autosomal Dominant, Autosomal Recessive and X-Linked Classification Criteria (2023). Collection method: clinical testing. Allele origin: unknown.
Comment: This variant is classified as a variant of uncertain significance as there is insufficient evidence to determine its impact on protein function and/or cancer risk.

Ambry Genetics
Classification: Likely benign for Hereditary cancer-predisposing syndrome. Last evaluated: 2023-01-10. Review status: criteria provided, single submitter. Criteria: Ambry Variant Classification Scheme 2023. Collection method: clinical testing. Allele origin: germline.

Quest Diagnostics Nichols Institute San Juan Capistrano
Classification: Uncertain significance. Last evaluated: 2023-01-05. Review status: criteria provided, single submitter. Criteria: Quest Diagnostics criteria. Collection method: clinical testing. Allele origin: unknown.
Comment: To the best of our knowledge, the variant has not been reported in the published literature. The frequency of this variant in the general population, 0.000035 (4/113514 chromosomes), is uninformative in assessment of its pathogenicity. Analysis of this variant using bioinformatics tools for the prediction of the effect of amino acid changes on protein structure and function yielded predictions that this variant is benign. Based on the available information, we are unable to determine the clinical significance of this variant.

Counsyl
Classification: Uncertain significance for Familial adenomatous polyposis 1. Last evaluated: 2018-05-22. Review status: no assertion criteria provided. Collection method: clinical testing. Allele origin: unknown. Not counted in ClinVar's aggregate classification.

NM_000038.6(APC):c.3959T>A (p.Val1320Glu)

Gene: APC (APC regulator of Wnt signaling pathway; plus strand). Cytogenetic location: 5q22.2.
Variant type: single nucleotide variant.
Coding change: c.3959T>A on transcript NM_000038.6 (MANE Select); coding-DNA position 3959, T replaced by A.
Protein change: p.Val1320Glu; replaces valine 1320 with glutamic acid.
Molecular consequence: missense variant.
Genome position (GRCh38, 1-based): chr5:112,839,553, T>A. VCF-style: chr5-112839553-T-A. GRCh37 (hg19) VCF-style: chr5-112175250-T-A.
Other names: c.3959T>A, p.Val1320Glu (NM_001127510.3, NM_001354895.2); c.3905T>A, p.Val1302Glu (NM_001127511.3); c.4013T>A, p.Val1338Glu (NM_001354896.2); c.3989T>A, p.Val1330Glu (NM_001354897.2); c.3884T>A, p.Val1295Glu (NM_001354898.2); c.3875T>A, p.Val1292Glu (NM_001354899.2); c.3836T>A, p.Val1279Glu (NM_001354900.2); c.3782T>A, p.Val1261Glu (NM_001354901.2); and 5 more; short protein forms V1302E, V1320E, V1037E, V1194E, V1229E, V1295E, V1338E, V1219E.
Identifiers: ClinVar variation 411559 (VCV000411559.28), dbSNP rs760485028, ClinGen allele CA037191.